The following is an entry in ClinVar:

NM_005120.3(MED12):c.6103G>A (p.Ala2035Thr)

Gene: MED12 (mediator complex subunit 12; plus strand). Cytogenetic location: Xq13.1.
Variant type: single nucleotide variant.
Coding change: c.6103G>A on transcript NM_005120.3 (MANE Select); coding-DNA position 6103, G replaced by A.
Protein change: p.Ala2035Thr; replaces alanine 2035 with threonine.
Molecular consequence: missense variant.
Genome position (GRCh38, 1-based): chrX:71,140,693, G>A. VCF-style: chrX-71140693-G-A. GRCh37 (hg19) VCF-style: chrX-70360543-G-A.
Other names: short protein forms A2035T.
Identifiers: ClinVar variation 641478 (VCV000641478.9), dbSNP rs1602306821, ClinGen allele CA413539786.

ClinVar aggregate classification (germline): Uncertain significance (1 of 4 stars; one submission).

Conditions:
FG syndrome (FGS). Identifiers: MedGen C0220769, MONDO:0002010.

Submission:

Labcorp Genetics (formerly Invitae), Labcorp
Classification: Uncertain significance for FG syndrome. Last evaluated: 2018-08-31. Review status: criteria provided, single submitter. Criteria: Invitae Variant Classification Sherloc (09022015). Collection method: clinical testing. Allele origin: germline.
Comment: This sequence change replaces alanine with threonine at codon 2035 of the MED12 protein (p.Ala2035Thr). The alanine residue is moderately conserved and there is a small physicochemical difference between alanine and threonine. This variant is not present in population databases (ExAC no frequency). This variant has not been reported in the literature in individuals with MED12-related disease. Algorithms developed to predict the effect of missense changes on protein structure and function output the following: SIFT: "Tolerated"; PolyPhen-2: "Benign"; Align-GVGD: "Class C0". The threonine amino acid residue is found in multiple mammalian species, suggesting that this missense change does not adversely affect protein function. These predictions have not been confirmed by published functional studies and their clinical significance is uncertain. In summary, the available evidence is currently insufficient to determine the role of this variant in disease. Therefore, it has been classified as a Variant of Uncertain Significance.